The following is an entry in ClinVar:

NM_007294.4(BRCA1):c.213-4T>C

Gene: BRCA1 (BRCA1 DNA repair associated; minus strand). Cytogenetic location: 17q21.31.
Variant type: single nucleotide variant.
Coding change: c.213-4T>C on transcript NM_007294.4 (MANE Select); 4 bases into the intron before coding-DNA position 213, T replaced by C.
Molecular consequence: intron variant.
Genome position (GRCh38, 1-based): chr17:43,104,960, A>G on the plus strand (T>C on the coding strand, the complement: BRCA1 is on the minus strand). VCF-style: chr17-43104960-A-G. GRCh37 (hg19) VCF-style: chr17-41256977-A-G.
Other names: c.213-4T>C (NM_001407618.1, NM_001407603.1, NM_001408408.1 and 167 more transcripts); c.81-4T>C (NM_001408451.1); c.3-4T>C (NM_001407898.1, NM_001407881.1, NM_001408509.1 and 58 more transcripts); c.72-4T>C (NM_001407932.1, NM_001408464.1, NM_001407742.1 and 99 more transcripts); c.135-4T>C (NM_001408475.1, NM_001407875.1, NM_001407659.1 and 21 more transcripts); c.-218-10100T>C (NM_001407966.1, NM_001407967.1); c.-169-4T>C (NM_001407963.1, NM_001407960.1, NM_001407965.1 and 4 more transcripts).
Identifiers: ClinVar variation 865562 (VCV000865562.3), dbSNP rs2054699770, ClinGen allele CA916080845.
Genomic context (GRCh38, chr17:43,104,960, plus strand): 5'-ATGATTTTCAATAGCTCTTCAACAAGTTGACTAAATCTCGTACTTTCTTGTAGGCTCCTG[A>G]AATTAAATTGTTTGAGAAACACACTCAGCAAGTGATTATCAACCTTTTAAGGACACTAAA-3'

Conditions:
Breast-ovarian cancer, familial, susceptibility to, 1 (BROVCA1). Also called: BRCA1 Hereditary Breast and Ovarian Cancer; OVARIAN CANCER, SUSCEPTIBILITY TO. Identifiers: Orphanet 145, MedGen C2676676, MONDO:0011450, OMIM 604370. Disease mechanism: loss of function.

Submission:

Brotman Baty Institute, University of Washington
No classification provided (evidence only). Condition: Breast-ovarian cancer, familial 1. Review status: no classification provided. Collection method: in vitro. Allele origin: not applicable. Functional consequence: functionally_normal.
ClinVar note: "not provided" was previously submitted as the classification for the variant. However, the classification appeared to be based only on an observation of functional data so it was converted to no classification on 2025-07-30.